The following is an entry in ClinVar:

NM_002617.4(PEX10):c.295del (p.His99fs)

Gene: PEX10 (peroxisomal biogenesis factor 10; minus strand). Cytogenetic location: 1p36.32.
Variant type: Deletion.
Coding change: c.295del on transcript NM_002617.4 (MANE Select); coding-DNA position 295, one base deleted (C; older notation c.295delC).
Protein change: p.His99fs; shifts the reading frame from histidine 99.
Molecular consequence: frameshift variant. On other transcripts: 5 prime UTR variant (2), non-coding transcript variant (1).
Genome position (GRCh38, 1-based): chr1:2,408,757, G deleted on the plus strand (C on the coding strand, the reverse complement: PEX10 is on the minus strand). VCF-style (leftmost placement, unchanged base first): chr1-2408756-TG-T. GRCh37 (hg19) VCF-style: chr1-2340195-TG-T.
Other names: c.295delC (NM_153818.1); c.295del, p.His99fs (NM_001374425.1, NM_153818.2); c.-138del (NM_001374426.1, NM_001374427.1); short protein forms H99fs.
Identifiers: ClinVar variation 597855 (VCV000597855.11), dbSNP rs1557910651, ClinGen allele CA913189284.

ClinVar aggregate classification (germline): Pathogenic/Likely pathogenic. Review status: criteria provided, multiple submitters, no conflicts (2 of 4 stars). 4 submissions from 4 submitters: Pathogenic (2); Likely pathogenic (2). Last evaluated 2024-03-29.

Conditions:
Zellweger spectrum disorders (ZS). Also called: Zellweger Spectrum Disorder; Zellweger Spectrum; Zellweger syndrome; Zellweger Spectrum Disorder (ZSD). Identifiers: Orphanet 912, MedGen C0043459, MONDO:0019609.
Peroxisome biogenesis disorder, complementation group 7 (CG7). Also called: Peroxisome biogenesis disorder, complementation group B. Identifiers: MedGen C1864399.
Peroxisome biogenesis disorder 6A (Zellweger). Also called: Peroxisome biogenesis disorder 6A. Identifiers: Orphanet 912, MedGen C3553947, MONDO:0013936, OMIM 614870.

Allele frequency attached by ClinVar (database versions not stated): gnomAD exomes 0.00001.

Submissions (4):

Natera, Inc.
Classification: Likely pathogenic for Zellweger syndrome. Last evaluated: 2024-03-29. Review status: criteria provided, single submitter. Criteria: Natera Variant Classification Schema (03/2026). Collection method: clinical testing. Allele origin: germline.
Comment: The c.295delC variant in PEX10 is a frameshift variant predicted to shift the reading frame beginning at codon 99 and leads to a stop codon 54 codons downstream. This variant is expected to result in nonsense mediated decay, truncation, or a dysfunctional protein product. This variant is rare in the general population with a frequency below the threshold expected for the associated phenotype(s). Given the available evidence, this variant is classified as Likely Pathogenic.

Labcorp Genetics (formerly Invitae), Labcorp
Classification: Pathogenic for Peroxisome biogenesis disorder, complementation group 7. Last evaluated: 2024-01-22. Review status: criteria provided, single submitter. Criteria: Invitae Variant Classification Sherloc (09022015). Collection method: clinical testing. Allele origin: germline.
Comment: This sequence change creates a premature translational stop signal (p.His99Metfs*54) in the PEX10 gene. It is expected to result in an absent or disrupted protein product. Loss-of-function variants in PEX10 are known to be pathogenic (PMID: 9683594, 10862081, 21031596). This variant is not present in population databases (gnomAD no frequency). This variant has not been reported in the literature in individuals affected with PEX10-related conditions. ClinVar contains an entry for this variant (Variation ID: 597855). For these reasons, this variant has been classified as Pathogenic.

Baylor Genetics
Classification: Likely pathogenic for Peroxisome biogenesis disorder 6A (Zellweger). Last evaluated: 2023-08-16. Review status: criteria provided, single submitter. Criteria: ACMG Guidelines, 2015. Collection method: clinical testing. Allele origin: unknown.

Eurofins Ntd Llc (ga)
Classification: Pathogenic. Last evaluated: 2018-06-28. Review status: criteria provided, single submitter. Criteria: EGL ClinVar v180209 classification definitions. Collection method: clinical testing. Allele origin: germline. Observed: 1 variant allele, 1 heterozygote.

Literature cited by the submitters: PubMed 9683594 (cited by Labcorp Genetics (formerly Invitae), Labcorp); PubMed 10862081 (cited by Labcorp Genetics (formerly Invitae), Labcorp); PubMed 21031596 (cited by Labcorp Genetics (formerly Invitae), Labcorp).